The following is an entry in ClinVar:

NM_001130987.2(DYSF):c.1116C>A (p.Ser372Arg)

Gene: DYSF (dysferlin; plus strand). Cytogenetic location: 2p13.2.
Variant type: single nucleotide variant.
Coding change: c.1116C>A on transcript NM_001130987.2 (MANE Select); coding-DNA position 1116, C replaced by A.
Protein change: p.Ser372Arg; replaces serine 372 with arginine.
Molecular consequence: missense variant.
Genome position (GRCh38, 1-based): chr2:71,520,871, C>A. VCF-style: chr2-71520871-C-A. GRCh37 (hg19) VCF-style: chr2-71748001-C-A.
Other names: NM_001130987.2(DYSF):c.1116C>A; p.Ser372Arg; c.1023C>A, p.Ser341Arg (NM_001130455.2, NM_001130983.2, NM_001130984.2 and 1 more transcripts); c.1020C>A, p.Ser340Arg (NM_001130976.2, NM_001130977.2, NM_001130978.2 and 1 more transcripts); c.1113C>A, p.Ser371Arg (NM_001130979.2, NM_001130980.2, NM_001130981.2); c.1116C>A, p.Ser372Arg (NM_001130982.2, NM_001130985.2); c.1116C>A (NM_001130987.1); short protein forms S372R, S340R, S371R, S341R.
Identifiers: ClinVar variation 551891 (VCV000551891.22), dbSNP rs766891289, ClinGen allele CA347212168.
Genomic context (GRCh38, chr2:71,520,871, plus strand): 5'-GCTGCTGCTCTCAGACCCTGATGACTTCTCTGCTGGGGCCAGAGGCTACCTGAAAACAAG[C>A]CTTTGTGTGCTGGGGCCTGGGGACGAAGCGCCTGTGAGTACATTTCCCTGGGTCTTCCTT-3'
Protein context (NP_001124459.1, residues 362-382): SAGARGYLKT[Ser372Arg]LCVLGPGDEA

ClinVar aggregate classification (germline): Pathogenic. Review status: reviewed by expert panel (3 of 4 stars). 9 submissions from 9 submitters: Pathogenic (1). 8 of the submissions do not count toward it. Last evaluated 2025-09-17.

Conditions:
Neuromuscular disease caused by qualitative or quantitative defects of dysferlin. Also called: Qualitative or quantitative defects of dysferlin; Dysferlinopathy. Identifiers: Orphanet 207073, MedGen C2931687, MONDO:0016145.
Autosomal recessive limb-girdle muscular dystrophy. Identifiers: Orphanet 102015, MedGen C2931907, MONDO:0015152.
Miyoshi muscular dystrophy 1 (MMD1). Identifiers: Orphanet 45448, MedGen C4551973, MONDO:0024545, OMIM 254130.
Autosomal recessive limb-girdle muscular dystrophy type 2B (LGMDR2). Also called: MUSCULAR DYSTROPHY, LIMB-GIRDLE, AUTOSOMAL RECESSIVE 2; Limb-Girdle Muscular Dystrophy Type 2B (LGMD2B); MUSCULAR DYSTROPHY, LIMB-GIRDLE, TYPE 3; Limb-girdle muscular dystrophy, type 2B. Identifiers: Orphanet 268, MedGen C1850889, MONDO:0009676, OMIM 253601.

gnomAD v4.1: 6 of 1,614,132 alleles (0.00037%); highest among the groups gnomAD compares: South Asian, 0.0022%; no homozygotes.

Submissions (9):

ClinGen Limb Girdle Muscular Dystrophy Variant Curation Expert Panel, ClinGen
Classification: Pathogenic for Autosomal recessive limb-girdle muscular dystrophy. Last evaluated: 2025-09-17. Review status: reviewed by expert panel. Criteria: ClinGen LGMD VCEP ACMG Specifications DYSF V2.0.0. Collection method: curation. Allele origin: germline. Inheritance: Autosomal recessive inheritance.
Comment: The NM_003494.4: c.1020C>A variant in DYSF, which is also known as NM_001130987.2: c.1116C>A p.(Ser372Arg), is a missense variant predicted to cause substitution of serine by arginine at amino acid 340, p.(Ser340Arg). This variant has been reported in at least five individuals with features consistent with LGMD or dysferlinopathy (PMID: 26404900, 19528035, 21522182; LOVD DYSF_000360; Jain Foundation Dysferlin Registry), including in a homozygous state in two individuals with known or likely familial consanguinity (0.25 pts x2, Jain Foundation Dysferlin Registry internal data communication) and confirmed in trans with a likely pathogenic or pathogenic variant in two individuals (NM_003494.4: c.1254del, 1.0 pt, PMID: 26404900; NM_003494.4: c.3504dup p.(Lys1169GlnfsTer6), 1.0 pt, PMID: 21522182) (PM3_Strong). At least one patient with this variant and a second presumed diagnostic DYSF variant had both a clinical diagnosis of LGMD (Miyoshi myopathy) and absent dysferlin expression in skeletal muscle (PMID: 21522182; PP4_Strong). The highest population allele frequency for this variant in gnomAD v4.1.0 is 0.00002196 (2/91084 South Asian chromosomes), which is less than the threshold of 0.0001 for PM2_Supporting, meeting this criterion (PM2_Supporting). The computational predictor REVEL gives a score of 0.695, which is below the LGMD VCEP threshold of ≥0.70 for PP3 (criterion not met), but immunofluorescence and 2-A assays of dysferlin membrane localization in HEK293T cells showed the Ser340Arg protein did not reach the cell membrane, indicating an impact on protein function (PMID: 35028538; PS3_Moderate). In summary, this variant meets the criteria to be classified as Pathogenic for autosomal recessive limb girdle muscular dystrophy based on the ACMG/AMP criteria applied, as specified by the ClinGen LGMD VCEP (LGMD VCEP specifications version 2.0.0; 09/17/2025): PM3_Strong, PP4_Strong, PM2_Supporting, PS3_Moderate.

Myriad Genetics, Inc.
Classification: Likely pathogenic for Autosomal recessive limb-girdle muscular dystrophy. Last evaluated: 2025-10-22. Review status: criteria provided, single submitter. Criteria: Myriad Autosomal Dominant, Autosomal Recessive and X-Linked Classification Criteria (2023). Collection method: clinical testing. Allele origin: unknown. Not counted in ClinVar's aggregate classification.
Comment: NM_003494.3(DYSF):c.1020C>A(S340R) is a missense variant classified as likely pathogenic in the context of dysferlinopathy. S340R has been observed in cases with relevant disease (PMID: 21522182, 26404900, 18853459, 33927379, 19528035). Relevant functional assessments of this variant are not available in the literature. S340R has been observed in referenced population frequency databases. In summary, NM_003494.3(DYSF):c.1020C>A(S340R) is a missense variant that has been observed more frequently in cases with the relevant disease than in healthy populations. Please note: this variant was assessed in the context of healthy population screening.

Baylor Genetics
Classification: Pathogenic for Miyoshi muscular dystrophy 1. Last evaluated: 2024-03-26. Review status: criteria provided, single submitter. Criteria: ACMG Guidelines, 2015. Collection method: clinical testing. Allele origin: unknown. Not counted in ClinVar's aggregate classification.

Labcorp Genetics (formerly Invitae), Labcorp
Classification: Pathogenic for Neuromuscular disease caused by qualitative or quantitative defects of dysferlin. Last evaluated: 2024-02-28. Review status: criteria provided, single submitter. Criteria: Invitae Variant Classification Sherloc (09022015). Collection method: clinical testing. Allele origin: germline. Not counted in ClinVar's aggregate classification.
Comment: This sequence change replaces serine, which is neutral and polar, with arginine, which is basic and polar, at codon 340 of the DYSF protein (p.Ser340Arg). This variant is present in population databases (no rsID available, gnomAD 0.003%). This missense change has been observed in individual(s) with dysferlinopathy (PMID: 17698709, 21522182, 26404900; Invitae). ClinVar contains an entry for this variant (Variation ID: 551891). Advanced modeling of protein sequence and biophysical properties (such as structural, functional, and spatial information, amino acid conservation, physicochemical variation, residue mobility, and thermodynamic stability) has been performed at Invitae for this missense variant, however the output from this modeling did not meet the statistical confidence thresholds required to predict the impact of this variant on DYSF protein function. For these reasons, this variant has been classified as Pathogenic.

3billion
Classification: Likely pathogenic for Autosomal recessive limb-girdle muscular dystrophy type 2B. Last evaluated: 2022-01-03. Review status: criteria provided, single submitter. Criteria: ACMG Guidelines, 2015. Collection method: clinical testing. Allele origin: germline. Affected: yes. Observed: 1 homozygote. Not counted in ClinVar's aggregate classification.
Comment: Same nucleotide change resulting in same amino acid change has been previously reported as pathogenic/likely pathogenic with strong evidence (ClinVar ID: VCV000288183,VCV000551891, PS1_S). In silico tool predictions suggest damaging effect of the variant on gene or gene product (REVEL: 0.695, PP3_P). It is observed at an extremely low frequency in the gnomAD v2.1.1 dataset (total allele frequency: 0.000008, PM2_M). Therefore, this variant is classified as likely pathogenic according to the recommendation of ACMG/AMP guideline.

Revvity Omics, Revvity
Classification: Likely pathogenic. Last evaluated: 2021-09-01. Review status: criteria provided, single submitter. Criteria: ACMG Guidelines, 2015. Collection method: clinical testing. Allele origin: germline. Not counted in ClinVar's aggregate classification.

Clinical Genetics Service, Universitary Hospital 12 de Octubre
Classification: Pathogenic for Autosomal recessive limb-girdle muscular dystrophy type 2B. Review status: criteria provided, single submitter. Criteria: ACMG Guidelines, 2015. Collection method: clinical testing. Allele origin: paternal. Affected: yes. Not counted in ClinVar's aggregate classification.

Neuberg Centre For Genomic Medicine, NCGM
Classification: Likely pathogenic for Autosomal recessive limb-girdle muscular dystrophy type 2B. Review status: criteria provided, single submitter. Criteria: ACMG Guidelines, 2015. Collection method: clinical testing. Allele origin: germline. Inheritance: Autosomal recessive inheritance. Affected: yes. Not counted in ClinVar's aggregate classification.
Comment: The missense variant c.1116C>A (p.Ser372Arg) in DYSF gene has been observed in combination with a different variant in the the DYSF gene or in the homozygous state in several individuals affected with dysferlinopathy (Nguyen K et al., 2007; Magri F et al., 2015). This variant has allele frequency 0.0007% in the gnomAD and novel in 1000 genome database. It has been submitted to ClinVar with varying interpretations: Pathogenic/ Likely Pathogenic. The amino acid Ser at position 372 is changed to a Arg changing protein sequence and it might alter its composition and physico-chemical properties. The amino acid change p.Ser372Arg in DYSF is predicted as conserved by GERP++ and PhyloP across 100 vertebrates. For these reasons, this variant has been classified as Likely Pathogenic.

Counsyl
Classification: Likely pathogenic for Autosomal recessive limb-girdle muscular dystrophy type 2B. Last evaluated: 2017-05-16. Review status: no assertion criteria provided. Collection method: clinical testing. Allele origin: unknown. Not counted in ClinVar's aggregate classification.

Literature cited by the submitters: PubMed 18853459 (cited by Myriad Genetics, Inc. and Counsyl); PubMed 19528035 (cited by Myriad Genetics, Inc. and Counsyl); PubMed 21522182 (cited by 3 submitters); PubMed 26404900 (cited by 3 submitters); PubMed 33927379 (cited by Myriad Genetics, Inc.); PubMed 17698709 (cited by Labcorp Genetics (formerly Invitae), Labcorp); PubMed 25312915 (cited by Counsyl).